The following is an entry in ClinVar:

NM_001386135.1(AFF3):c.3557G>A (p.Arg1186Gln)

Gene: AFF3 (ALF transcription elongation factor 3; minus strand). Cytogenetic location: 2q11.2.
Variant type: single nucleotide variant.
Coding change: c.3557G>A on transcript NM_001386135.1 (MANE Select); coding-DNA position 3557, G replaced by A.
Protein change: p.Arg1186Gln; replaces arginine 1186 with glutamine.
Molecular consequence: missense variant.
Genome position (GRCh38, 1-based): chr2:99,554,313, C>T on the plus strand (G>A on the coding strand, the complement: AFF3 is on the minus strand). VCF-style: chr2-99554313-C-T. GRCh37 (hg19) VCF-style: chr2-100170775-C-T.
Other names: c.3632G>A, p.Arg1211Gln (NM_001025108.2); c.3557G>A, p.Arg1186Gln (NM_002285.3); short protein forms R1186Q, R1211Q.
Identifiers: ClinVar variation 3352584 (VCV003352584.15).
Genomic context (GRCh38, chr2:99,554,313, plus strand): 5'-AGAATCGCTTGAACCCGGGAGGCGGAAGCCCCTGGTTCCCCGTGGGGTGTGCGCTCACCT[C>T]GGTTTTCCTTGGCCAGGTTGTCGGCCATCTCCCAGTAGTCGTAGCTGTGCAGGATGCTGT-3'
Protein context (NP_001373064.1, residues 1176-1196): EMADNLAKEN[Arg1186Gln]EFFNDLDLLM

ClinVar aggregate classification (germline): Likely benign. Review status: criteria provided, multiple submitters, no conflicts (2 of 4 stars). 3 submissions from 3 submitters: Likely benign (2). 1 of the submissions does not count toward it. Last evaluated 2026-08-01.

Conditions:
AFF3-related disorder. Also called: AFF3-related condition.

gnomAD v4.1: 945 of 1,614,170 alleles (0.059%); highest among the groups gnomAD compares: South Asian, 0.14%; 2 homozygotes.

Submissions (3):

CeGaT Center for Human Genetics Tuebingen
Classification: Likely benign. Last evaluated: 2026-08-01. Review status: criteria provided, single submitter. Criteria: CeGaT Center For Human Genetics Tuebingen Variant Classification Criteria Version 2. Collection method: clinical testing. Allele origin: germline. Affected: yes. Observed: 2 variant alleles.
Comment: AFF3: BS2

Laboratory of Genetics, Children's Clinical University Hospital Latvia
Classification: Likely benign. Last evaluated: 2025-02-16. Review status: criteria provided, single submitter. Criteria: ACMG Guidelines, 2015. Collection method: clinical testing. Allele origin: germline. Affected: yes.

PreventionGenetics, part of Exact Sciences
Classification: Likely benign for AFF3-related condition. Last evaluated: 2024-05-15. Review status: no assertion criteria provided. Collection method: clinical testing. Allele origin: germline. Not counted in ClinVar's aggregate classification.
Comment: This variant is classified as likely benign based on ACMG/AMP sequence variant interpretation guidelines (Richards et al. 2015 PMID: 25741868, with internal and published modifications).